The following is an entry in ClinVar:

NM_133497.4(KCNV2):c.226C>T (p.Gln76Ter)

Gene: KCNV2 (potassium voltage-gated channel modifier subfamily V member 2; plus strand). Cytogenetic location: 9p24.2.
Variant type: single nucleotide variant.
Coding change: c.226C>T on transcript NM_133497.4 (MANE Select); coding-DNA position 226, C replaced by T.
Protein change: p.Gln76Ter; replaces glutamine 76 with a stop codon.
Molecular consequence: nonsense.
Genome position (GRCh38, 1-based): chr9:2,717,965, C>T. VCF-style: chr9-2717965-C-T. GRCh37 (hg19) VCF-style: chr9-2717965-C-T.
Other names: short protein forms Q76*.
Identifiers: ClinVar variation 37249 (VCV000037249.6), dbSNP rs387907302, ClinGen allele CA130127.

ClinVar aggregate classification (germline): Pathogenic. Review status: criteria provided, single submitter (1 of 4 stars). 2 submissions from 2 submitters: Pathogenic (1). 1 of the submissions does not count toward it. Last evaluated 2023-10-03.

Conditions:
Cone dystrophy with supernormal rod response (CDSRR). Also called: CONE DYSTROPHY WITH SUPERNORMAL ROD RESPONSES. Identifiers: Orphanet 209932, MedGen C1835897, MONDO:0012475, OMIM 610356.

Allele frequency attached by ClinVar (database versions not stated): gnomAD exomes below 0.00001.
gnomAD v4.1: 1 of 1,614,154 alleles (0.000062%); highest among the groups gnomAD compares: South Asian, 0.0011%; no homozygotes.

Submissions (2):

Labcorp Genetics (formerly Invitae), Labcorp
Classification: Pathogenic. Last evaluated: 2023-10-03. Review status: criteria provided, single submitter. Criteria: Invitae Variant Classification Sherloc (09022015). Collection method: clinical testing. Allele origin: germline.
Comment: This sequence change creates a premature translational stop signal (p.Gln76*) in the KCNV2 gene. It is expected to result in an absent or disrupted protein product. Loss-of-function variants in KCNV2 are known to be pathogenic (PMID: 16909397, 18235024). This variant is not present in population databases (gnomAD no frequency). This premature translational stop signal has been observed in individual(s) with KCNV2-related conditions (PMID: 18235024). ClinVar contains an entry for this variant (Variation ID: 37249). For these reasons, this variant has been classified as Pathogenic.

OMIM
Classification: drug response for CONE DYSTROPHY WITH SUPERNORMAL ROD RESPONSES. Last evaluated: 2008-02-01. Review status: no assertion criteria provided. Collection method: literature only. Allele origin: germline. Not counted in ClinVar's aggregate classification.

Literature cited by the submitters: PubMed 16909397 (cited by Labcorp Genetics (formerly Invitae), Labcorp); PubMed 18235024 (cited by Labcorp Genetics (formerly Invitae), Labcorp and OMIM).